The following is an entry in ClinVar:

ClinVar aggregate classification (germline): Uncertain significance (1 of 4 stars; one submission).

Submission:

GeneDx
Classification: Uncertain significance. Last evaluated: 2025-05-12. Review status: criteria provided, single submitter. Criteria: GeneDx Variant Classification Process June 2021. Collection method: clinical testing. Allele origin: germline. Affected: yes.
Comment: Not observed at significant frequency in large population cohorts (gnomAD); In silico analysis supports that this missense variant has a deleterious effect on protein structure/function; Has not been previously published as pathogenic or benign to our knowledge

NM_005032.7(PLS3):c.370G>A (p.Glu124Lys)

Gene: PLS3 (plastin 3; plus strand). Cytogenetic location: Xq23.
Variant type: single nucleotide variant.
Coding change: c.370G>A on transcript NM_005032.7 (MANE Select); coding-DNA position 370, G replaced by A.
Protein change: p.Glu124Lys; replaces glutamic acid 124 with lysine.
Molecular consequence: missense variant.
Genome position (GRCh38, 1-based): chrX:115,629,837, G>A. VCF-style: chrX-115629837-G-A. GRCh37 (hg19) VCF-style: chrX-114864149-G-A.
Other names: c.370G>A, p.Glu124Lys (NM_001136025.5, NM_001440791.1, NM_001440792.1); c.289G>A, p.Glu97Lys (NM_001172335.3); c.304G>A, p.Glu102Lys (NM_001282337.2); c.235G>A, p.Glu79Lys (NM_001282338.2); short protein forms E102K, E124K, E79K, E97K.
Identifiers: ClinVar variation 4529529 (VCV004529529.1).